The following is an entry in ClinVar:

ClinVar aggregate classification (germline): Pathogenic (1 of 4 stars; one submission).

gnomAD v4.1: 1 of 1,510,078 alleles (0.000066%); highest among the groups gnomAD compares: Admixed American, 0.0021%; no homozygotes.

Submission:

GeneDx
Classification: Pathogenic. Last evaluated: 2026-07-20. Review status: criteria provided, single submitter. Criteria: GeneDx Variant Classification Process June 2021. Collection method: clinical testing. Allele origin: germline.
Comment: Not observed at significant frequency in large population cohorts (gnomAD); In silico analysis supports that this missense variant has a deleterious effect on protein structure/function; This variant is associated with the following publications: (PMID: 28904474, Donohue2024[Abstract], 36531873, 32683607)

NM_001953.5(TYMP):c.977G>A (p.Gly326Asp)

Genes: SCO2 (synthesis of cytochrome C oxidase 2; minus strand), TYMP (thymidine phosphorylase; minus strand), LOC130067862 (ATAC-STARR-seq lymphoblastoid silent region 13986; plus strand). Cytogenetic location: 22q13.33.
Variant type: single nucleotide variant.
Coding change: c.977G>A on transcript NM_001953.5 (MANE Select); coding-DNA position 977, G replaced by A.
Protein change: p.Gly326Asp; replaces glycine 326 with aspartic acid.
Molecular consequence: missense variant. On other transcripts: 5 prime UTR variant (1).
Genome position (GRCh38, 1-based): chr22:50,526,428, C>T on the plus strand (G>A on the coding strand, the complement: TYMP is on the minus strand). VCF-style: chr22-50526428-C-T. GRCh37 (hg19) VCF-style: chr22-50964857-C-T.
Other names: c.977G>A, p.Gly326Asp (NM_001113755.3, NM_001113756.3, NM_001257988.1 and 1 more transcripts); c.-196G>A (NM_001169109.2); short protein forms G326D.
Identifiers: ClinVar variation 4070716 (VCV004070716.2).